The following is an entry in ClinVar:

NM_019892.6(INPP5E):c.367_368del (p.Ala123fs)

Gene: INPP5E (inositol polyphosphate-5-phosphatase E; minus strand). Cytogenetic location: 9q34.3.
Variant type: Deletion.
Coding change: c.367_368del on transcript NM_019892.6 (MANE Select); coding-DNA positions 367 to 368, 2 bases deleted (GC; older notation c.367_368delGC).
Protein change: p.Ala123fs; shifts the reading frame from alanine 123.
Molecular consequence: frameshift variant.
Genome position (GRCh38, 1-based): chr9:136,439,052-136,439,053, GC deleted on the plus strand (GC on the coding strand, the reverse complement: INPP5E is on the minus strand). VCF-style (leftmost placement, unchanged base first): chr9-136439051-GGC-G. GRCh37 (hg19) VCF-style: chr9-139333503-GGC-G.
Other names: c.367_368delGC (NM_019892.6); c.367_368del, p.Ala123fs (NM_001318502.2); short protein forms A123fs.
Identifiers: ClinVar variation 4813865 (VCV004813865.1).
Genomic context (GRCh38, chr9:136,439,051, plus strand): 5'-GGACTTGGGGATTTCCTGCAAGGAGGTGCTCAGGCAGGGCGGGGAGCAGCTGTGGGCGGG[GGC>G]CCCGGGGCCCTCGCTCTGCACTGAGCCCCTGGAGGGACTGGTCCCATTCCGGGCTTCCAG-3'

ClinVar aggregate classification (germline): Likely pathogenic (1 of 4 stars; one submission).

Conditions:
Focal segmental glomerulosclerosis (FSGS). Also called: Glomerulosclerosis, focal; Focal sclerosis with hyalinosis. Identifiers: MedGen C0017668, MONDO:0100313, HP:0000097. Disease mechanism: loss of function.

Submission:

Molecular Lab, University of Sulaimaniyah
Classification: Likely pathogenic for Focal segmental glomerulosclerosis. Last evaluated: 2026-03-12. Review status: criteria provided, single submitter. Criteria: ACMG Guidelines, 2015. Collection method: clinical testing. Allele origin: germline. Inheritance: Autosomal recessive inheritance. Affected: yes. Observed: 10 variant alleles, 10 homozygotes.
Comment: This variant was classified using the ACMG/AMP 2015 framework (PMID:25741868). PVS1 was applied because INPP5E c.367_368delGC is a predicted loss-of-function frameshift variant expected to create a premature termination codon in a recessive ciliopathy-associated gene for which loss of function is an established disease mechanism. As additional case-level support in our dataset, the variant was recurrently observed in 10 homozygous affected individuals from an adult biopsy-proven focal segmental glomerulosclerosis cohort (35 individuals tested), and the genotype pattern is consistent with a recessive disease mechanism. The submitted classification reflects this combination of variant type, gene-disease mechanism, and internal observation data. Overall, the weight of evidence supported a Likely pathogenic classification.